The following is an entry in ClinVar:

ClinVar aggregate classification (germline): Uncertain significance. Review status: criteria provided, multiple submitters, no conflicts (2 of 4 stars). 2 submissions from 2 submitters: Uncertain significance (2). Last evaluated 2026-01-12.

Conditions:
Early Myoclonic Encephalopathy. Identifiers: MedGen C0270855.

Allele frequency attached by ClinVar (database versions not stated): ExAC 0.00001; gnomAD exomes below 0.00001; TOPMed 0.00003; gnomAD 0.00004.
gnomAD v4.1: 7 of 1,613,706 alleles (0.00043%); highest among the groups gnomAD compares: African/African-American, 0.008%; no homozygotes.

Submissions (2):

Labcorp Genetics (formerly Invitae), Labcorp
Classification: Uncertain significance for Early Myoclonic Encephalopathy. Last evaluated: 2026-01-12. Review status: criteria provided, single submitter. Criteria: Invitae Variant Classification Sherloc (09022015). Collection method: clinical testing. Allele origin: germline.
Comment: This sequence change replaces isoleucine, which is neutral and non-polar, with valine, which is neutral and non-polar, at codon 1694 of the JMJD1C protein (p.Ile1694Val). This variant is present in population databases (rs766770797, gnomAD 0.02%). This variant has not been reported in the literature in individuals affected with JMJD1C-related conditions. ClinVar contains an entry for this variant (Variation ID: 999289). Invitae Evidence Modeling of protein sequence and biophysical properties (such as structural, functional, and spatial information, amino acid conservation, physicochemical variation, residue mobility, and thermodynamic stability) indicates that this missense variant is not expected to disrupt JMJD1C protein function with a negative predictive value of 80%. In summary, the available evidence is currently insufficient to determine the role of this variant in disease. Therefore, it has been classified as a Variant of Uncertain Significance.

Ambry Genetics
Classification: Uncertain significance. Last evaluated: 2024-08-14. Review status: criteria provided, single submitter. Criteria: Ambry Variant Classification Scheme 2023. Collection method: clinical testing. Allele origin: germline.

NM_032776.3(JMJD1C):c.5080A>G (p.Ile1694Val)

Gene: JMJD1C (jumonji domain containing 1C; minus strand). Cytogenetic location: 10q21.3.
Variant type: single nucleotide variant.
Coding change: c.5080A>G on transcript NM_032776.3 (MANE Select); coding-DNA position 5080, A replaced by G.
Protein change: p.Ile1694Val; replaces isoleucine 1694 with valine.
Molecular consequence: missense variant.
Genome position (GRCh38, 1-based): chr10:63,200,672, T>C on the plus strand (A>G on the coding strand, the complement: JMJD1C is on the minus strand). VCF-style: chr10-63200672-T-C. GRCh37 (hg19) VCF-style: chr10-64960432-T-C.
Other names: c.5080A>G (NM_032776.1); c.4534A>G, p.Ile1512Val (NM_001282948.2, NM_001318154.2); c.4216A>G, p.Ile1406Val (NM_001318153.2); c.4966A>G, p.Ile1656Val (NM_001322252.2); c.4423A>G, p.Ile1475Val (NM_001322254.2, NM_001322258.2); short protein forms I1406V, I1475V, I1512V, I1656V, I1694V.
Identifiers: ClinVar variation 999289 (VCV000999289.11), dbSNP rs766770797, ClinGen allele CA5518145.